The following is an entry in ClinVar:

ClinVar aggregate classification (germline): Uncertain significance (1 of 4 stars; one submission).

Conditions:
Inborn genetic diseases. Identifiers: MedGen C0950123, MeSH D030342.

Submission:

Ambry Genetics
Classification: Uncertain significance for Inborn genetic diseases. Last evaluated: 2026-08-16. Review status: criteria provided, single submitter. Criteria: Ambry Variant Classification Scheme 2023. Collection method: clinical testing. Allele origin: germline.
Comment: The p.W731R variant (also known as c.2191T>A), located in coding exon 15 of the MIB1 gene, results from a T to A substitution at nucleotide position 2191. The tryptophan at codon 731 is replaced by arginine, an amino acid with dissimilar properties. This amino acid position is conserved. In addition, the in silico prediction for this alteration is inconclusive. Based on the available evidence, the clinical significance of this variant remains unclear.

NM_020774.4(MIB1):c.2191T>A (p.Trp731Arg)

Gene: MIB1 (MIB E3 ubiquitin protein ligase 1; plus strand). Cytogenetic location: 18q11.2.
Variant type: single nucleotide variant.
Coding change: c.2191T>A on transcript NM_020774.4 (MANE Select); coding-DNA position 2191, T replaced by A.
Protein change: p.Trp731Arg; replaces tryptophan 731 with arginine.
Molecular consequence: missense variant.
Genome position (GRCh38, 1-based): chr18:21,844,233, T>A. VCF-style: chr18-21844233-T-A. GRCh37 (hg19) VCF-style: chr18-19424194-T-A.
Other names: short protein forms W731R.
Identifiers: ClinVar variation 5024456 (VCV005024456.1).